The following is an entry in ClinVar:

ClinVar aggregate classification (germline): Uncertain significance. Review status: criteria provided, single submitter (1 of 4 stars). 2 submissions from 2 submitters: Uncertain significance (1). 1 of the submissions does not count toward it. Last evaluated 2025-12-21.

Conditions:
DNMT3A-related disorder. Also called: DNMT3A-related condition; DNMT3A-related disorders.
Tatton-Brown-Rahman overgrowth syndrome. Also called: Tall stature-intellectual disability-facial dysmorphism syndrome; Tatton-Brown-Rahman syndrome. Identifiers: Orphanet 404443, MedGen C4014545, MONDO:0014382, OMIM 615879.

gnomAD v4.1: 7 of 1,614,008 alleles (0.00043%); highest among the groups gnomAD compares: Admixed American, 0.0033%; no homozygotes.

Submissions (2):

Labcorp Genetics (formerly Invitae), Labcorp
Classification: Uncertain significance for Tatton-Brown-Rahman overgrowth syndrome. Last evaluated: 2025-12-21. Review status: criteria provided, single submitter. Criteria: Invitae Variant Classification Sherloc (09022015). Collection method: clinical testing. Allele origin: germline.
Comment: This sequence change replaces arginine, which is basic and polar, with glutamine, which is neutral and polar, at codon 488 of the DNMT3A protein (p.Arg488Gln). This variant is present in population databases (rs566390868, gnomAD 0.007%). This variant has not been reported in the literature in individuals affected with DNMT3A-related conditions. ClinVar contains an entry for this variant (Variation ID: 3348968). Invitae Evidence Modeling of protein sequence and biophysical properties (such as structural, functional, and spatial information, amino acid conservation, physicochemical variation, residue mobility, and thermodynamic stability) indicates that this missense variant is not expected to disrupt DNMT3A protein function with a negative predictive value of 95%. In summary, the available evidence is currently insufficient to determine the role of this variant in disease. Therefore, it has been classified as a Variant of Uncertain Significance.

PreventionGenetics, part of Exact Sciences
Classification: Uncertain significance for DNMT3A-related condition. Last evaluated: 2024-02-20. Review status: no assertion criteria provided. Collection method: clinical testing. Allele origin: germline. Not counted in ClinVar's aggregate classification.
Comment: The DNMT3A c.1463G>A variant is predicted to result in the amino acid substitution p.Arg488Gln. To our knowledge, this variant has not been reported in the literature. This variant is reported in 0.0062% of alleles in individuals of African descent in gnomAD. At this time, the clinical significance of this variant is uncertain due to the absence of conclusive functional and genetic evidence.

NM_022552.5(DNMT3A):c.1463G>A (p.Arg488Gln)

Gene: DNMT3A (DNA methyltransferase 3 alpha; minus strand). Cytogenetic location: 2p23.3.
Variant type: single nucleotide variant.
Coding change: c.1463G>A on transcript NM_022552.5 (MANE Select); coding-DNA position 1463, G replaced by A.
Protein change: p.Arg488Gln; replaces arginine 488 with glutamine.
Molecular consequence: missense variant. On other transcripts: non-coding transcript variant (1).
Genome position (GRCh38, 1-based): chr2:25,246,031, C>T on the plus strand (G>A on the coding strand, the complement: DNMT3A is on the minus strand). VCF-style: chr2-25246031-C-T. GRCh37 (hg19) VCF-style: chr2-25468900-C-T.
Other names: c.1007G>A, p.Arg336Gln (NM_001320893.1); c.794G>A, p.Arg265Gln (NM_001375819.1); c.896G>A, p.Arg299Gln (NM_153759.3); c.1463G>A, p.Arg488Gln (NM_175629.2); short protein forms R265Q, R299Q, R336Q, R488Q.
Identifiers: ClinVar variation 3348968 (VCV003348968.3).